The following is an entry in ClinVar:

NM_012210.4(TRIM32):c.1726C>T (p.Arg576Cys)

Genes: ASTN2 (astrotactin 2; minus strand), TRIM32 (tripartite motif containing 32; plus strand). Cytogenetic location: 9q33.1.
Variant type: single nucleotide variant.
Coding change: c.1726C>T on transcript NM_012210.4 (MANE Select); coding-DNA position 1726, C replaced by T.
Protein change: p.Arg576Cys; replaces arginine 576 with cysteine.
Molecular consequence: missense variant. On other transcripts: intron variant (3).
Genome position (GRCh38, 1-based): chr9:116,699,468, C>T. VCF-style: chr9-116699468-C-T. GRCh37 (hg19) VCF-style: chr9-119461747-C-T.
Other names: c.1726C>T, p.Arg576Cys (NM_001099679.2, NM_001379048.1, NM_001379049.1 and 1 more transcripts); c.2653+26303G>A (NM_014010.5); c.2794+26303G>A (NM_001365069.1); c.2806+26303G>A (NM_001365068.1); short protein forms R576C.
Identifiers: ClinVar variation 2167435 (VCV002167435.3), dbSNP rs747829781, ClinGen allele CA5211200.
Genomic context (GRCh38, chr9:116,699,468, plus strand): 5'-GGCCCTGATGGGCAGCTGGGTCGCCAGATTAGCCACTTCTTCTCGGAGAATGAGGATTTC[C>T]GCTGCATTGCTGGCATGTGTGTGGATGCTCGTGGTGATCTCATCGTGGCTGACAGTAGTC-3'
Protein context (NP_036342.2, residues 566-586): SHFFSENEDF[Arg576Cys]CIAGMCVDAR

ClinVar aggregate classification (germline): Uncertain significance (1 of 4 stars; one submission).

Conditions:
Bardet-Biedl syndrome (BBS). Identifiers: Orphanet 110, MedGen C0752166, MONDO:0015229.

Allele frequency attached by ClinVar (database versions not stated): TOPMed below 0.00001; gnomAD exomes 0.00001; ExAC 0.00002.
gnomAD v4.1: 11 of 1,614,184 alleles (0.00068%); highest among the groups gnomAD compares: South Asian, 0.0022%; no homozygotes.

Submission:

Labcorp Genetics (formerly Invitae), Labcorp
Classification: Uncertain significance for Bardet-Biedl syndrome. Last evaluated: 2024-11-05. Review status: criteria provided, single submitter. Criteria: Invitae Variant Classification Sherloc (09022015). Collection method: clinical testing. Allele origin: germline.
Comment: This sequence change replaces arginine, which is basic and polar, with cysteine, which is neutral and slightly polar, at codon 576 of the TRIM32 protein (p.Arg576Cys). This variant is present in population databases (rs747829781, gnomAD 0.006%). This variant has not been reported in the literature in individuals affected with TRIM32-related conditions. ClinVar contains an entry for this variant (Variation ID: 2167435). An algorithm developed to predict the effect of missense changes on protein structure and function (PolyPhen-2) suggests that this variant is likely to be tolerated. In summary, the available evidence is currently insufficient to determine the role of this variant in disease. Therefore, it has been classified as a Variant of Uncertain Significance.